The following is an entry in ClinVar:

NM_001080453.3(INTS1):c.1870TAC[1] (p.Tyr625del)

Gene: INTS1 (integrator complex subunit 1; minus strand). Cytogenetic location: 7p22.3.
Variant type: Microsatellite.
Coding change: c.1870TAC[1] on transcript NM_001080453.3 (MANE Select); one copy of the 3-base unit TAC starting at c.1870; the reference has two copies in a row; one copy, 3 bases deleted.
Protein change: p.Tyr625del; deletes tyrosine 625.
Genome position (GRCh38, 1-based): chr7:1,494,851-1,494,853, GTA deleted on the plus strand (TAC on the coding strand, the reverse complement: INTS1 is on the minus strand); deleting any 3 consecutive bases within chr7:1,494,851-1,494,857 gives the same sequence; the position shown is the placement nearest the transcript's 3' end. VCF-style (leftmost placement, unchanged base first): chr7-1494850-TGTA-T. GRCh37 (hg19) VCF-style: chr7-1534486-TGTA-T.
Other names: short protein forms Y625del.
Identifiers: ClinVar variation 4537736 (VCV004537736.1).

ClinVar aggregate classification (germline): Uncertain significance (1 of 4 stars; one submission).

Submission:

GeneDx
Classification: Uncertain significance. Last evaluated: 2025-06-11. Review status: criteria provided, single submitter. Criteria: GeneDx Variant Classification Process June 2021. Collection method: clinical testing. Allele origin: germline. Affected: yes.
Comment: Not observed at significant frequency in large population cohorts (gnomAD); In-frame deletion of 1 amino acid in a non-repeat region; In silico analysis supports a deleterious effect on protein structure/function; Has not been previously published as pathogenic or benign to our knowledge